The following is an entry in ClinVar:

NM_002691.4(POLD1):c.993G>A (p.Arg331=)

Gene: POLD1 (DNA polymerase delta 1, catalytic subunit; plus strand). Cytogenetic location: 19q13.33.
Variant type: single nucleotide variant.
Coding change: c.993G>A on transcript NM_002691.4 (MANE Select); coding-DNA position 993, G replaced by A.
Protein change: p.Arg331=; no amino-acid change (arginine 331 retained).
Molecular consequence: synonymous variant. On other transcripts: non-coding transcript variant (1).
Genome position (GRCh38, 1-based): chr19:50,403,075, G>A. VCF-style: chr19-50403075-G-A. GRCh37 (hg19) VCF-style: chr19-50906332-G-A.
Other names: c.993G>A, p.Arg331= (NM_001256849.1, NM_001308632.1).
Identifiers: ClinVar variation 2448212 (VCV002448212.4), dbSNP rs2122268281, ClinGen allele CA508182444.

ClinVar aggregate classification (germline): Benign/Likely benign. Review status: criteria provided, multiple submitters, no conflicts (2 of 4 stars). 3 submissions from 3 submitters: Benign (1); Likely benign (2). Last evaluated 2025-02-05.

Conditions:
Hereditary cancer-predisposing syndrome. Also called: Neoplastic Syndromes, Hereditary; Tumor predisposition; Hereditary Cancer Syndrome; Hereditary neoplastic syndrome. Identifiers: Orphanet 140162, MedGen C0027672, MeSH D009386, MONDO:0015356.
POLD1-related polyposis and colorectal cancer syndrome (CRCS10). Also called: COLORECTAL CANCER, SUSCEPTIBILITY TO, ON CHROMOSOME 19q; Colorectal cancer 10; Colorectal cancer, susceptibility to, 10. Identifiers: Orphanet 220460, MedGen C2675481, MONDO:0012953, OMIM 612591.

Submissions (3):

Myriad Genetics, Inc.
Classification: Benign for POLD1-related polyposis and colorectal cancer syndrome. Last evaluated: 2025-02-05. Review status: criteria provided, single submitter. Criteria: Myriad Autosomal Dominant, Autosomal Recessive and X-Linked Classification Criteria (2023). Collection method: clinical testing. Allele origin: unknown.
Comment: This variant is considered benign. This variant is a silent/synonymous amino acid change and it is not expected to impact splicing.

Blueprint Genetics
Classification: Likely benign. Last evaluated: 2024-01-03. Review status: criteria provided, single submitter. Criteria: ACMG Guidelines, 2015. Collection method: clinical testing. Allele origin: germline.

Ambry Genetics
Classification: Likely benign for Hereditary cancer-predisposing syndrome. Last evaluated: 2023-02-12. Review status: criteria provided, single submitter. Criteria: Ambry Variant Classification Scheme 2023. Collection method: clinical testing. Allele origin: germline.